The following is an entry in ClinVar:

NM_000138.5(FBN1):c.555A>G (p.Pro185=)

Gene: FBN1 (fibrillin 1; minus strand). Cytogenetic location: 15q21.1.
Variant type: single nucleotide variant.
Coding change: c.555A>G on transcript NM_000138.5 (MANE Select); coding-DNA position 555, A replaced by G.
Protein change: p.Pro185=; no amino-acid change (proline 185 retained).
Molecular consequence: synonymous variant.
Genome position (GRCh38, 1-based): chr15:48,537,792, T>C on the plus strand (A>G on the coding strand, the complement: FBN1 is on the minus strand). VCF-style: chr15-48537792-T-C. GRCh37 (hg19) VCF-style: chr15-48829989-T-C.
Identifiers: ClinVar variation 1172339 (VCV001172339.6), dbSNP rs1597593844, ClinGen allele CA490090214.
Genomic context (GRCh38, chr15:48,537,792, plus strand): 5'-TGTGCAGACAATCCCGCTGAGTTGTCCCTGGCACATCTGGTTGCTGATCACAGTAAAACA[T>C]GGGCCTGTCCTGTAATCTGAAAATAAAGAATAAAAATCTGATGAAAATCCAGAAAAGCAG-3'
Protein context (NP_000129.3, residues 175-195): PQCERDYRTG[Pro185=]CFTVISNQMC

ClinVar aggregate classification (germline): Likely benign. Review status: criteria provided, multiple submitters, no conflicts (2 of 4 stars). 3 submissions from 3 submitters: Likely benign (3). Last evaluated 2024-07-05.

Conditions:
Marfan syndrome (MFS). Also called: Marfan syndrome type 1; Marfan's syndrome; Marfan syndrome, classic; MARFAN SYNDROME, TYPE I; FBN1-Related Marfan Syndrome. Identifiers: Orphanet 284963, Orphanet 558, MedGen C0024796, MONDO:0007947, OMIM 154700.
Familial thoracic aortic aneurysm and aortic dissection (TAAD). Also called: Thoracic aortic aneurysms and dissections. Identifiers: Orphanet 91387, MedGen C4707243, MONDO:0019625.

Allele frequency attached by ClinVar (database versions not stated): gnomAD exomes below 0.00001.
gnomAD v4.1: 7 of 1,614,160 alleles (0.00043%); highest among the groups gnomAD compares: Non-Finnish European, 0.00059%; no homozygotes.

Submissions (3):

Labcorp Genetics (formerly Invitae), Labcorp
Classification: Likely benign for Marfan syndrome; Familial thoracic aortic aneurysm and aortic dissection. Last evaluated: 2024-07-05. Review status: criteria provided, single submitter. Criteria: Invitae Variant Classification Sherloc (09022015). Collection method: clinical testing. Allele origin: germline.

All of Us Research Program, National Institutes of Health
Classification: Likely benign for Marfan syndrome. Last evaluated: 2024-06-17. Review status: criteria provided, single submitter. Criteria: ACMG Guidelines, 2015. Collection method: clinical testing. Allele origin: germline. Inheritance: Autosomal dominant inheritance. Observed: 2 variant alleles, 2 heterozygotes.
Comment: This study involves interpretation of variants in research participants for the purpose of population health screening. Participant phenotype was not available at the time of variant classification. Additional details can be found in publication PMID: 35346344, PMCID: PMC8962531

Color Diagnostics, LLC DBA Color Health
Classification: Likely benign for Familial thoracic aortic aneurysm and aortic dissection. Last evaluated: 2020-09-14. Review status: criteria provided, single submitter. Criteria: ACMG Guidelines, 2015. Collection method: clinical testing. Allele origin: germline.